The following is an entry in ClinVar:

ClinVar aggregate classification (germline): Pathogenic (1 of 4 stars; one submission).

Conditions:
Griscelli syndrome type 2 (GS2). Also called: GRISCELLI SYNDROME WITH HEMOPHAGOCYTIC SYNDROME; PAID SYNDROME; PARTIAL ALBINISM AND IMMUNODEFICIENCY SYNDROME. Identifiers: Orphanet 381, Orphanet 79477, MedGen C1868679, MONDO:0011872, OMIM 607624.

Submission:

Labcorp Genetics (formerly Invitae), Labcorp
Classification: Pathogenic for Griscelli syndrome type 2. Last evaluated: 2019-04-18. Review status: criteria provided, single submitter. Criteria: Invitae Variant Classification Sherloc (09022015). Collection method: clinical testing. Allele origin: germline.
Comment: This sequence change creates a premature translational stop signal (p.Leu84Phefs*17) in the RAB27A gene. It is expected to result in an absent or disrupted protein product. This variant is not present in population databases (ExAC no frequency). This variant has not been reported in the literature in individuals with RAB27A-related conditions. Loss-of-function variants in RAB27A are known to be pathogenic (PMID: 10835631, 23160464). For these reasons, this variant has been classified as Pathogenic.

Literature cited by the submitters: PubMed 10835631; PubMed 23160464.

NM_183235.3(RAB27A):c.251dup (p.Leu84fs)

Gene: RAB27A (RAB27A, member RAS oncogene family; minus strand). Cytogenetic location: 15q21.3.
Variant type: Duplication.
Coding change: c.251dup on transcript NM_183235.3 (MANE Select); coding-DNA position 251, one base duplicated (T; older notation c.251dupT).
Protein change: p.Leu84fs; shifts the reading frame from leucine 84.
Molecular consequence: frameshift variant.
Genome position (GRCh38, 1-based): chr15:55,228,701, A duplicated on the plus strand (T on the coding strand, the reverse complement: RAB27A is on the minus strand); the first of 2 consecutive A bases (chr15:55,228,701-55,228,702); duplicating either gives the same sequence. VCF-style (leftmost placement, unchanged base first): chr15-55228700-T-TA. GRCh37 (hg19) VCF-style: chr15-55520898-T-TA.
Other names: c.251dup, p.Leu84fs (NM_004580.5, NM_183236.3); c.250dup, p.Leu84Phefs (NM_183234.3); short protein forms L84fs.
Identifiers: ClinVar variation 944622 (VCV000944622.7), dbSNP rs1895911610, ClinGen allele CA1139664001.